The following is an entry in ClinVar:

NM_000057.4(BLM):c.267_271delinsTTTT (p.Asn92fs)

Gene: BLM (BLM RecQ like helicase; plus strand). Cytogenetic location: 15q26.1.
Variant type: Indel.
Coding change: c.267_271delinsTTTT on transcript NM_000057.4 (MANE Select); coding-DNA positions 267 to 271, CTTTA replaced by TTTT.
Protein change: p.Asn92fs; shifts the reading frame from asparagine 92.
Molecular consequence: frameshift variant. On other transcripts: 5 prime UTR variant (1).
Genome position (GRCh38, 1-based): chr15:90,749,535-90,749,539, CTTTA replaced by TTTT. VCF-style: chr15-90749535-CTTTA-TTTT. GRCh37 (hg19) VCF-style: chr15-91292765-CTTTA-TTTT.
Other names: c.267_271delinsTTTT, p.Asn92fs (NM_001287246.2, NM_001287247.2); c.-1025_-1021delinsTTTT (NM_001287248.2); short protein forms N92fs.
Identifiers: ClinVar variation 3261016 (VCV003261016.1).

ClinVar aggregate classification (germline): Pathogenic (1 of 4 stars; one submission).

Conditions:
Hereditary cancer-predisposing syndrome. Also called: Hereditary Cancer Syndrome; Tumor predisposition; Hereditary neoplastic syndrome; Neoplastic Syndromes, Hereditary. Identifiers: Orphanet 140162, MedGen C0027672, MeSH D009386, MONDO:0015356.

Submission:

Ambry Genetics
Classification: Pathogenic for Hereditary cancer-predisposing syndrome. Last evaluated: 2024-03-27. Review status: criteria provided, single submitter. Criteria: Ambry Variant Classification Scheme 2023. Collection method: clinical testing. Allele origin: germline.
Comment: The c.267_271delCTTTAinsTTTT pathogenic mutation, located in coding exon 2 of the BLM gene, results from the deletion of 5 nucleotides and insertion of 4 nucleotides causing a translational frameshift with a predicted alternate stop codon (p.N92Mfs*37). This alteration is expected to result in loss of function by premature protein truncation or nonsense-mediated mRNA decay. This variant is considered to be rare based on population cohorts in the Genome Aggregation Database (gnomAD). As such, this alteration is interpreted as a disease-causing mutation.